The following is an entry in ClinVar:

NM_020699.4(GATAD2B):c.868C>G (p.Pro290Ala)

Gene: GATAD2B (GATA zinc finger domain containing 2B; minus strand). Cytogenetic location: 1q21.3.
Variant type: single nucleotide variant.
Coding change: c.868C>G on transcript NM_020699.4 (MANE Select); coding-DNA position 868, C replaced by G.
Protein change: p.Pro290Ala; replaces proline 290 with alanine.
Molecular consequence: missense variant.
Genome position (GRCh38, 1-based): chr1:153,817,404, G>C on the plus strand (C>G on the coding strand, the complement: GATAD2B is on the minus strand). VCF-style: chr1-153817404-G-C. GRCh37 (hg19) VCF-style: chr1-153789880-G-C.
Other names: short protein forms P290A.
Identifiers: ClinVar variation 1722821 (VCV001722821.2), dbSNP rs2525252337, ClinGen allele CA342529831.
Genomic context (GRCh38, chr1:153,817,404, plus strand): 5'-TCCACATTAGGGCTCAGCTCTCTCTTACCGGTTGATAATTGATGGCGGGATTCATGTTGG[G>C]TGTTGTGGTGCGTACAAGGCCAGGCTTAGGCGGGCCCCGCTGACCCTGTAGCTGGGCTGG-3'
Protein context (NP_065750.1, residues 280-300): PKPGLVRTTT[Pro290Ala]NMNPAINYQP

ClinVar aggregate classification (germline): Uncertain significance (1 of 4 stars; one submission).

Submission:

GeneDx
Classification: Uncertain significance. Last evaluated: 2022-12-07. Review status: criteria provided, single submitter. Criteria: GeneDx Variant Classification Process June 2021. Collection method: clinical testing. Allele origin: germline. Affected: yes.
Comment: Not observed at significant frequency in large population cohorts (gnomAD); In silico analysis supports that this missense variant does not alter protein structure/function; Has not been previously published as pathogenic or benign to our knowledge